The following is an entry in ClinVar:

NM_001875.5(CPS1):c.3395A>G (p.Tyr1132Cys)

Gene: CPS1 (carbamoyl-phosphate synthase 1; plus strand). Cytogenetic location: 2q34.
Variant type: single nucleotide variant.
Coding change: c.3395A>G on transcript NM_001875.5 (MANE Select); coding-DNA position 3395, A replaced by G.
Protein change: p.Tyr1132Cys; replaces tyrosine 1132 with cysteine.
Molecular consequence: missense variant. On other transcripts: non-coding transcript variant (2).
Genome position (GRCh38, 1-based): chr2:210,648,531, A>G. VCF-style: chr2-210648531-A-G. GRCh37 (hg19) VCF-style: chr2-211513255-A-G.
Other names: c.3395A>G, p.Tyr1132Cys (NM_001122633.3, NM_001369257.1); c.3428A>G, p.Tyr1143Cys (NM_001369256.1); short protein forms Y1143C, Y1132C.
Identifiers: ClinVar variation 937571 (VCV000937571.6), dbSNP rs764150301, ClinGen allele CA2086911.

ClinVar aggregate classification (germline): Uncertain significance (1 of 4 stars; one submission).

Conditions:
Congenital hyperammonemia, type I. Also called: Carbamoyl phosphate synthetase 1 deficiency; Hyperammonemia due to carbamoyl phosphate synthetase 1 deficiency; CPS 1 deficiency; Carbamyl phosphate synthetase (CPS) deficiency; Carbamoyl-phosphate synthase I deficiency; Carbamoyl phosphate synthetase I deficiency disease. Identifiers: Orphanet 147, MedGen C4082171, MONDO:0009376, OMIM 237300.

Allele frequency attached by ClinVar (database versions not stated): ExAC 0.00001; gnomAD exomes 0.00001 and 0.00002; TOPMed 0.00001.
gnomAD v4.1: 9 of 1,613,360 alleles (0.00056%); highest among the groups gnomAD compares: South Asian, 0.0033%; no homozygotes.

Submission:

Labcorp Genetics (formerly Invitae), Labcorp
Classification: Uncertain significance for Congenital hyperammonemia, type I. Last evaluated: 2021-08-28. Review status: criteria provided, single submitter. Criteria: Invitae Variant Classification Sherloc (09022015). Collection method: clinical testing. Allele origin: germline.
Comment: This sequence change replaces tyrosine with cysteine at codon 1132 of the CPS1 protein (p.Tyr1132Cys). The tyrosine residue is highly conserved and there is a large physicochemical difference between tyrosine and cysteine. This variant is present in population databases (rs764150301, ExAC 0.006%). This variant has not been reported in the literature in individuals affected with CPS1-related conditions. Algorithms developed to predict the effect of missense changes on protein structure and function are either unavailable or do not agree on the potential impact of this missense change (SIFT: "Deleterious"; PolyPhen-2: "Probably Damaging"; Align-GVGD: "Class C0"). In summary, the available evidence is currently insufficient to determine the role of this variant in disease. Therefore, it has been classified as a Variant of Uncertain Significance.